The following is an entry in ClinVar:

NM_001379451.1(BCORL1):c.3013A>G (p.Lys1005Glu)

Gene: BCORL1 (BCL6 corepressor like 1; plus strand). Cytogenetic location: Xq26.1.
Variant type: single nucleotide variant.
Coding change: c.3013A>G on transcript NM_001379451.1 (MANE Select); coding-DNA position 3013, A replaced by G.
Protein change: p.Lys1005Glu; replaces lysine 1005 with glutamic acid.
Molecular consequence: missense variant.
Genome position (GRCh38, 1-based): chrX:130,015,785, A>G. VCF-style: chrX-130015785-A-G. GRCh37 (hg19) VCF-style: chrX-129149761-A-G.
Other names: c.3013A>G, p.Lys1005Glu (NM_001184772.3, NM_001379450.1, NM_021946.5); short protein forms K1005E.
Identifiers: ClinVar variation 1059046 (VCV001059046.7), dbSNP rs2124453930, ClinGen allele CA414594187.

ClinVar aggregate classification (germline): Uncertain significance (1 of 4 stars; one submission).

Submission:

Labcorp Genetics (formerly Invitae), Labcorp
Classification: Uncertain significance. Last evaluated: 2020-10-19. Review status: criteria provided, single submitter. Criteria: Invitae Variant Classification Sherloc (09022015). Collection method: clinical testing. Allele origin: germline.
Comment: In summary, the available evidence is currently insufficient to determine the role of this variant in disease. Therefore, it has been classified as a Variant of Uncertain Significance. Algorithms developed to predict the effect of missense changes on protein structure and function (SIFT, PolyPhen-2, Align-GVGD) all suggest that this variant is likely to be tolerated, but these predictions have not been confirmed by published functional studies and their clinical significance is uncertain. This variant has not been reported in the literature in individuals with BCORL1-related conditions. This variant is not present in population databases (ExAC no frequency). This sequence change replaces lysine with glutamic acid at codon 1005 of the BCORL1 protein (p.Lys1005Glu). The lysine residue is highly conserved and there is a small physicochemical difference between lysine and glutamic acid.